The following is an entry in ClinVar:

NM_003632.3(CNTNAP1):c.3341A>G (p.Asp1114Gly)

Gene: CNTNAP1 (contactin associated protein 1; plus strand). Cytogenetic location: 17q21.2.
Variant type: single nucleotide variant.
Coding change: c.3341A>G on transcript NM_003632.3 (MANE Select); coding-DNA position 3341, A replaced by G.
Protein change: p.Asp1114Gly; replaces aspartic acid 1114 with glycine.
Molecular consequence: missense variant.
Genome position (GRCh38, 1-based): chr17:42,695,869, A>G. VCF-style: chr17-42695869-A-G. GRCh37 (hg19) VCF-style: chr17-40847887-A-G.
Other names: p.Asp1114Gly; short protein forms D1114G.
Identifiers: ClinVar variation 521338 (VCV000521338.15), dbSNP rs150167601, ClinGen allele CA8582285.

ClinVar aggregate classification (germline): Conflicting classifications of pathogenicity. Review status: criteria provided, conflicting classifications (1 of 4 stars). 4 submissions from 4 submitters: Uncertain significance (3); Likely benign (1). Last evaluated 2024-10-11.

Conditions:
Inborn genetic diseases. Identifiers: MedGen C0950123, MeSH D030342.

Allele frequency attached by ClinVar (database versions not stated): gnomAD exomes 0.00009; ExAC 0.00012; 1000 Genomes Project 30x 0.00016; 1000 Genomes Project 0.00020; ESP Exome Variant Server 0.00046; gnomAD 0.00047 and 0.00054; TOPMed 0.00053.
gnomAD v4.1: 124 of 1,610,964 alleles (0.0077%); highest among the groups gnomAD compares: African/African-American, 0.15%; no homozygotes.

Submissions (5):

Mayo Clinic Laboratories, Mayo Clinic
Classification: Likely benign. Last evaluated: 2024-10-11. Review status: criteria provided, single submitter. Criteria: ACMG Guidelines, 2015. Collection method: clinical testing. Allele origin: germline. Observed: 2 variant alleles.
Comment: BS1, BP4

GeneDx
Classification: Uncertain significance. Last evaluated: 2024-08-12. Review status: criteria provided, single submitter. Criteria: GeneDx Variant Classification Process June 2021. Collection method: clinical testing. Allele origin: germline. Affected: yes.
Comment: In silico analysis indicates that this missense variant does not alter protein structure/function; Has not been previously published as pathogenic or benign to our knowledge; This variant is associated with the following publications: (PMID: 27668699, 27159321, 24319099)

Labcorp Genetics (formerly Invitae), Labcorp
Classification: Uncertain significance. Last evaluated: 2024-06-03. Review status: criteria provided, single submitter. Criteria: Invitae Variant Classification Sherloc (09022015). Collection method: clinical testing. Allele origin: germline.
Comment: This sequence change replaces aspartic acid, which is acidic and polar, with glycine, which is neutral and non-polar, at codon 1114 of the CNTNAP1 protein (p.Asp1114Gly). This variant is present in population databases (rs150167601, gnomAD 0.1%). This variant has not been reported in the literature in individuals affected with CNTNAP1-related conditions. ClinVar contains an entry for this variant (Variation ID: 521338). An algorithm developed to predict the effect of missense changes on protein structure and function (PolyPhen-2) suggests that this variant¬†is likely to be tolerated. In summary, the available evidence is currently insufficient to determine the role of this variant in disease. Therefore, it has been classified as a Variant of Uncertain Significance.

Ambry Genetics
Classification: Uncertain significance for Inborn genetic diseases. Last evaluated: 2022-06-30. Review status: criteria provided, single submitter. Criteria: Ambry Variant Classification Scheme 2023. Collection method: clinical testing. Allele origin: germline.

Dr. Peter K. Rogan Lab, Western University
No classification provided (evidence only). Condition: Gastric cancer. Review status: no classification provided. Collection method: in vitro. Allele origin: not applicable. Functional consequence: retained intron. Not counted in ClinVar's aggregate classification.